The following is an entry in ClinVar:

ClinVar aggregate classification (germline): Uncertain significance (1 of 4 stars; one submission).

Conditions:
Left-right axis malformations. Identifiers: MedGen C1866091.

Allele frequency attached by ClinVar (database versions not stated): TOPMed 0.00001; gnomAD exomes 0.00002 and 0.00003; ExAC 0.00003; gnomAD 0.00003.

Submission:

Labcorp Genetics (formerly Invitae), Labcorp
Classification: Uncertain significance for Left-right axis malformations. Last evaluated: 2025-07-29. Review status: criteria provided, single submitter. Criteria: Invitae Variant Classification Sherloc (09022015). Collection method: clinical testing. Allele origin: germline.
Comment: This sequence change replaces valine, which is neutral and non-polar, with isoleucine, which is neutral and non-polar, at codon 42 of the LEFTY2 protein (p.Val42Ile). This variant is present in population databases (rs781615840, gnomAD 0.005%). This variant has not been reported in the literature in individuals affected with LEFTY2-related conditions. ClinVar contains an entry for this variant (Variation ID: 1044618). Invitae Evidence Modeling of protein sequence and biophysical properties (such as structural, functional, and spatial information, amino acid conservation, physicochemical variation, residue mobility, and thermodynamic stability) indicates that this missense variant is not expected to disrupt LEFTY2 protein function with a negative predictive value of 80%. In summary, the available evidence is currently insufficient to determine the role of this variant in disease. Therefore, it has been classified as a Variant of Uncertain Significance.

NM_003240.5(LEFTY2):c.124G>A (p.Val42Ile)

Gene: LEFTY2 (left-right determination factor 2; minus strand). Cytogenetic location: 1q42.12.
Variant type: single nucleotide variant.
Coding change: c.124G>A on transcript NM_003240.5 (MANE Select); coding-DNA position 124, G replaced by A.
Protein change: p.Val42Ile; replaces valine 42 with isoleucine.
Molecular consequence: missense variant.
Genome position (GRCh38, 1-based): chr1:225,941,017, C>T on the plus strand (G>A on the coding strand, the complement: LEFTY2 is on the minus strand). VCF-style: chr1-225941017-C-T. GRCh37 (hg19) VCF-style: chr1-226128717-C-T.
Other names: c.124G>A, p.Val42Ile (NM_001172425.3); short protein forms V42I.
Identifiers: ClinVar variation 1044618 (VCV001044618.5), dbSNP rs781615840, ClinGen allele CA1420692.